The following is an entry in ClinVar:

NM_003672.4(CDC14A):c.28G>C (p.Gly10Arg)

Gene: CDC14A (cell division cycle 14A; plus strand). Cytogenetic location: 1p21.2.
Variant type: single nucleotide variant.
Coding change: c.28G>C on transcript NM_003672.4 (MANE Select); coding-DNA position 28, G replaced by C.
Protein change: p.Gly10Arg; replaces glycine 10 with arginine.
Molecular consequence: missense variant. On other transcripts: 5 prime UTR variant (1), intron variant (1).
Genome position (GRCh38, 1-based): chr1:100,352,982, G>C. VCF-style: chr1-100352982-G-C. GRCh37 (hg19) VCF-style: chr1-100818538-G-C.
Other names: c.28G>C, p.Gly10Arg (NM_001319210.2, NM_033312.3, NM_033313.3); c.-764G>C (NM_001319212.2); c.-125-780G>C (NM_001319211.2); short protein forms G10R.
Identifiers: ClinVar variation 666802 (VCV000666802.7), dbSNP rs571098288, ClinGen allele CA970391.
Genomic context (GRCh38, chr1:100,352,982, plus strand): 5'-ACCCAGCCCTCCCCCGTGCGTATCTCGCTTAAGATGGCAGCGGAGTCAGGGGAACTAATC[G>C]GGGCTTGTGAGTTCATGAAAGGTGAGGAGCAGCCGCCCCGCATCTTCCAACGCTTTCTTG-3'
Protein context (NP_003663.2, residues 1-20): MAAESGELI[Gly10Arg]ACEFMKDRLY

ClinVar aggregate classification (germline): Conflicting classifications of pathogenicity. Review status: criteria provided, conflicting classifications (1 of 4 stars). 2 submissions from 2 submitters: Uncertain significance (1); Likely benign (1). Last evaluated 2019-03-11.

Allele frequency attached by ClinVar (database versions not stated): gnomAD below 0.00001 and 0.00006; TOPMed 0.00002; ExAC 0.00016; 1000 Genomes Project 30x 0.00062; 1000 Genomes Project 0.00080.
gnomAD v4.1: 127 of 1,614,092 alleles (0.0079%); highest among the groups gnomAD compares: South Asian, 0.12%; 1 homozygote.

Submissions (2):

Laboratory for Molecular Medicine, Mass General Brigham Personalized Medicine
Classification: Uncertain significance. Last evaluated: 2019-03-11. Review status: criteria provided, single submitter. Criteria: LMM Criteria. Collection method: clinical testing. Allele origin: germline. Observed: 1 variant allele.
Comment: Variant classified as Uncertain Significance - Favor Benign. The p.Gly10Arg variant in CDC14A has not been previously reported in individuals with hearing loss, but has been identified in 0.13% (41/30616) of South Asian chromosomes by gnomAD. Computational prediction tools and conservation analysis do not provide strong support for or against an impact to the protein. In summary, while the clinical significance of this variant is uncertain, its frequency suggests it is more likely to be benign. ACMG/AMP Criteria applied: BS1_Supporting.

GeneDx
Classification: Likely benign. Last evaluated: 2019-01-22. Review status: criteria provided, single submitter. Criteria: GeneDx Variant Classification Process June 2021. Collection method: clinical testing. Allele origin: germline. Affected: yes.